The following is an entry in ClinVar:

NM_000540.3(RYR1):c.3389G>T (p.Arg1130Leu)

Gene: RYR1 (ryanodine receptor 1; plus strand). Cytogenetic location: 19q13.2.
Variant type: single nucleotide variant.
Coding change: c.3389G>T on transcript NM_000540.3 (MANE Select); coding-DNA position 3389, G replaced by T.
Protein change: p.Arg1130Leu; replaces arginine 1130 with leucine.
Molecular consequence: missense variant.
Genome position (GRCh38, 1-based): chr19:38,468,973, G>T. VCF-style: chr19-38468973-G-T. GRCh37 (hg19) VCF-style: chr19-38959613-G-T.
Other names: c.3389G>T, p.Arg1130Leu (NM_001042723.2); short protein forms R1130L.
Identifiers: ClinVar variation 3074319 (VCV003074319.1), dbSNP rs371498385, ClinGen allele CA405638218.

ClinVar aggregate classification (germline): Uncertain significance (1 of 4 stars; one submission).

Conditions:
Malignant hyperthermia, susceptibility to, 1 (MHS1). Also called: Anesthesia related hyperthermia; Malignant hyperpyrexia; Fulminating hyperpyrexia; Pharmacogenic myopathy; RYR1-Related Malignant Hyperthermia Susceptibility; Malignant hyperthermia suceptibility 1. Identifiers: Orphanet 423, MedGen C2930980, MONDO:0007783, OMIM 145600.

gnomAD v4.1: 1 of 1,614,052 alleles (0.000062%); highest among the groups gnomAD compares: East Asian, 0.0022%; no homozygotes.

Submission:

All of Us Research Program, National Institutes of Health
Classification: Uncertain significance for Malignant hyperthermia, susceptibility to, 1. Last evaluated: 2023-11-02. Review status: criteria provided, single submitter. Criteria: ACMG Guidelines, 2015. Collection method: clinical testing. Allele origin: germline. Inheritance: Autosomal dominant inheritance. Observed: 1 variant allele, 1 heterozygote.
Comment: This missense variant replaces arginine with leucine at codon 1130 of the RYR1 protein. Computational prediction is inconclusive regarding the impact of this variant on protein structure and function (internally defined REVEL score threshold 0.5 < inconclusive < 0.7, PMID: 27666373). To our knowledge, functional studies have not been reported for this variant. This variant has not been reported in individuals affected with RYR1-related disorders in the literature. This variant has not been identified in the general population by the Genome Aggregation Database (gnomAD). The available evidence is insufficient to determine the role of this variant in disease conclusively. Therefore, this variant is classified as a Variant of Uncertain Significance.

This study involves interpretation of variants in research participants for the purpose of population health screening. Participant phenotype was not available at the time of variant classification. Additional details can be found in publication PMID: 35346344, PMCID: PMC8962531